The following is an entry in ClinVar:

NM_001114753.3(ENG):c.654_657dup (p.Ile220fs)

Gene: ENG (endoglin; minus strand). Cytogenetic location: 9q34.11.
Variant type: Duplication.
Coding change: c.654_657dup on transcript NM_001114753.3 (MANE Select); coding-DNA positions 654 to 657, 4 bases duplicated (GCAC; older notation c.654_657dupGCAC).
Protein change: p.Ile220fs; shifts the reading frame from isoleucine 220.
Molecular consequence: frameshift variant.
Genome position (GRCh38, 1-based): chr9:127,825,727-127,825,730, GTGC duplicated on the plus strand (GCAC on the coding strand, the reverse complement: ENG is on the minus strand); duplicating any 4 consecutive bases within chr9:127,825,727-127,825,731 gives the same sequence; the c. name uses the placement nearest the transcript's 3' end. VCF-style (leftmost placement, unchanged base first): chr9-127825726-T-TGTGC. GRCh37 (hg19) VCF-style: chr9-130588005-T-TGTGC.
Other names: c.654_657dup, p.Ile220fs (NM_000118.4, NM_001406715.1); c.108_111dup, p.Ile38fs (NM_001278138.2); short protein forms I220fs, I38fs.
Identifiers: ClinVar variation 3343228 (VCV003343228.1).
Genomic context (GRCh38, chr9:127,825,726, plus strand): 5'-TAGTGTCAGGGGCGGGGCGAGAGCCATACCCGGCCGAGTGGCCCGGCAGGACCCTCAGGA[T>TGTGC]GTGCGCCTCCTTGTGGCCGGCCACGCCTTCCAAGTGGCAGCCCCGGACCAAGGCTGGAGT-3'

ClinVar aggregate classification (germline): Likely pathogenic (1 of 4 stars; one submission).

Submission:

GeneDx
Classification: Likely pathogenic. Last evaluated: 2023-04-27. Review status: criteria provided, single submitter. Criteria: GeneDx Variant Classification Process June 2021. Collection method: clinical testing. Allele origin: germline. Affected: yes.
Comment: Frameshift variant predicted to result in protein truncation or nonsense mediated decay in a gene for which loss of function is a known mechanism of disease; Not observed at significant frequency in large population cohorts (gnomAD); Has not been previously published as pathogenic or benign to our knowledge